The following is an entry in ClinVar:

NM_020693.4(DSCAML1):c.4241G>A (p.Arg1414Gln)

Gene: DSCAML1 (DS cell adhesion molecule like 1; minus strand). Cytogenetic location: 11q23.3.
Variant type: single nucleotide variant.
Coding change: c.4241G>A on transcript NM_020693.4 (MANE Select); coding-DNA position 4241, G replaced by A.
Protein change: p.Arg1414Gln; replaces arginine 1414 with glutamine.
Molecular consequence: missense variant.
Genome position (GRCh38, 1-based): chr11:117,438,887, C>T on the plus strand (G>A on the coding strand, the complement: DSCAML1 is on the minus strand). VCF-style: chr11-117438887-C-T. GRCh37 (hg19) VCF-style: chr11-117309603-C-T.
Other names: short protein forms R1414Q.
Identifiers: ClinVar variation 1941037 (VCV001941037.5), dbSNP rs775613586, ClinGen allele CA6296452.

ClinVar aggregate classification (germline): Uncertain significance (1 of 4 stars; one submission).

Allele frequency attached by ClinVar (database versions not stated): ExAC 0.00001; TOPMed 0.00002; gnomAD 0.00003.
gnomAD v4.1: 27 of 1,585,796 alleles (0.0017%); highest among the groups gnomAD compares: East Asian, 0.007%; no homozygotes.

Submission:

Labcorp Genetics (formerly Invitae), Labcorp
Classification: Uncertain significance. Last evaluated: 2025-06-01. Review status: criteria provided, single submitter. Criteria: Invitae Variant Classification Sherloc (09022015). Collection method: clinical testing. Allele origin: germline.
Comment: This sequence change replaces arginine, which is basic and polar, with glutamine, which is neutral and polar, at codon 1474 of the DSCAML1 protein (p.Arg1474Gln). This variant is present in population databases (rs775613586, gnomAD 0.004%). This missense change has been observed in individual(s) with autism spectrum disorder (PMID: 33501714). ClinVar contains an entry for this variant (Variation ID: 1941037). An algorithm developed to predict the effect of missense changes on protein structure and function (PolyPhen-2) suggests that this variant is likely to be disruptive. In summary, the available evidence is currently insufficient to determine the role of this variant in disease. Therefore, it has been classified as a Variant of Uncertain Significance.

Literature cited by the submitters: PubMed 33501714.